The following is an entry in ClinVar:

ClinVar aggregate classification (germline): Likely pathogenic (1 of 4 stars; one submission).

Conditions:
Leber congenital amaurosis (LCA). Also called: Leber's amaurosis. Identifiers: Orphanet 65, MedGen C0339527, MeSH D057130, MONDO:0018998.

Submission:

Natera, Inc.
Classification: Likely pathogenic for Leber congenital amaurosis. Last evaluated: 2025-07-14. Review status: criteria provided, single submitter. Criteria: Natera Variant Classification Schema (03/2026). Collection method: clinical testing. Allele origin: germline.
Comment: The c.271C>T variant in RDH12 is a nonsense variant predicted to introduce a stop codon at amino acid 91. This variant is expected to result in nonsense mediated decay, truncation, or a dysfunctional protein product. This variant is rare in the general population with a frequency below the threshold expected for the associated phenotype(s). Given the available evidence, this variant is classified as Likely Pathogenic.

NM_152443.3(RDH12):c.271C>T (p.Gln91Ter)

Genes: GPHN (gephyrin; plus strand), RDH12 (retinol dehydrogenase 12; plus strand). Cytogenetic location: 14q24.1.
Variant type: single nucleotide variant.
Coding change: c.271C>T on transcript NM_152443.3 (MANE Select); coding-DNA position 271, C replaced by T.
Protein change: p.Gln91Ter; replaces glutamine 91 with a stop codon.
Molecular consequence: nonsense.
Genome position (GRCh38, 1-based): chr14:67,725,182, C>T. VCF-style: chr14-67725182-C-T. GRCh37 (hg19) VCF-style: chr14-68191899-C-T.
Other names: short protein forms Q91*.
Identifiers: ClinVar variation 4816878 (VCV004816878.1).